The following is an entry in ClinVar:

NM_004370.6(COL12A1):c.566G>C (p.Arg189Thr)

Gene: COL12A1 (collagen type XII alpha 1 chain; minus strand). Cytogenetic location: 6q13.
Variant type: single nucleotide variant.
Coding change: c.566G>C on transcript NM_004370.6 (MANE Select); coding-DNA position 566, G replaced by C.
Protein change: p.Arg189Thr; replaces arginine 189 with threonine.
Molecular consequence: missense variant. On other transcripts: intron variant (2).
Genome position (GRCh38, 1-based): chr6:75,189,644, C>G on the plus strand (G>C on the coding strand, the complement: COL12A1 is on the minus strand). VCF-style: chr6-75189644-C-G. GRCh37 (hg19) VCF-style: chr6-75899360-C-G.
Other names: p.Arg189Thr; c.566G>C, p.Arg189Thr (NM_001424113.1, NM_001424114.1, NM_001424115.1); c.73+13076G>C (NM_001424116.1, NM_080645.3); short protein forms R189T.
Identifiers: ClinVar variation 2682940 (VCV002682940.2), dbSNP rs1582209256, ClinGen allele CA364728943.

ClinVar aggregate classification (germline): Uncertain significance. Review status: criteria provided, multiple submitters, no conflicts (2 of 4 stars). 2 submissions from 2 submitters: Uncertain significance (2). Last evaluated 2023-06-22.

Submissions (2):

GeneDx
Classification: Uncertain significance. Last evaluated: 2023-06-22. Review status: criteria provided, single submitter. Criteria: GeneDx Variant Classification Process June 2021. Collection method: clinical testing. Allele origin: germline. Affected: yes.
Comment: Not observed at significant frequency in large population cohorts (gnomAD); In silico analysis supports that this missense variant does not alter protein structure/function; Has not been previously published as pathogenic or benign to our knowledge

Mayo Clinic Laboratories, Mayo Clinic
Classification: Uncertain significance. Last evaluated: 2022-08-03. Review status: criteria provided, single submitter. Criteria: ACMG Guidelines, 2015. Collection method: clinical testing. Allele origin: germline. Observed: 1 variant allele.
Comment: PM2